The following is an entry in ClinVar:

ClinVar aggregate classification (germline): Benign/Likely benign. Review status: criteria provided, multiple submitters, no conflicts (2 of 4 stars). 3 submissions from 3 submitters: Benign (1); Likely benign (2). Last evaluated 2025-07-02.

Conditions:
Hereditary cancer-predisposing syndrome. Also called: Hereditary neoplastic syndrome; Tumor predisposition; Hereditary Cancer Syndrome; Neoplastic Syndromes, Hereditary. Identifiers: Orphanet 140162, MedGen C0027672, MeSH D009386, MONDO:0015356.
Oligodontia-cancer predisposition syndrome. Also called: TOOTH AGENESIS-COLORECTAL CANCER SYNDROME. Identifiers: Orphanet 300576, MedGen C1837750, MONDO:0012075, OMIM 608615. Disease mechanism: loss of function.

Submissions (3):

Labcorp Genetics (formerly Invitae), Labcorp
Classification: Likely benign for Oligodontia-cancer predisposition syndrome. Last evaluated: 2025-07-02. Review status: criteria provided, single submitter. Criteria: Invitae Variant Classification Sherloc (09022015). Collection method: clinical testing. Allele origin: germline.

Myriad Genetics, Inc.
Classification: Benign for Oligodontia-cancer predisposition syndrome. Last evaluated: 2024-07-03. Review status: criteria provided, single submitter. Criteria: Myriad Autosomal Dominant, Autosomal Recessive and X-Linked Classification Criteria (2023). Collection method: clinical testing. Allele origin: unknown.
Comment: This variant is considered benign. This variant is a silent/synonymous amino acid change and it is not expected to impact splicing.

Ambry Genetics
Classification: Likely benign for Hereditary cancer-predisposing syndrome. Last evaluated: 2023-08-29. Review status: criteria provided, single submitter. Criteria: Ambry Variant Classification Scheme 2023. Collection method: clinical testing. Allele origin: germline.

NM_004655.4(AXIN2):c.1455C>T (p.Gly485=)

Gene: AXIN2 (axin 2; minus strand). Cytogenetic location: 17q24.1.
Variant type: single nucleotide variant.
Coding change: c.1455C>T on transcript NM_004655.4 (MANE Select); coding-DNA position 1455, C replaced by T.
Protein change: p.Gly485=; no amino-acid change (glycine 485 retained).
Molecular consequence: synonymous variant.
Genome position (GRCh38, 1-based): chr17:65,537,581, G>A on the plus strand (C>T on the coding strand, the complement: AXIN2 is on the minus strand). VCF-style: chr17-65537581-G-A. GRCh37 (hg19) VCF-style: chr17-63533699-G-A.
Other names: c.1455C>T, p.Gly485= (NM_001363813.1).
Identifiers: ClinVar variation 2586370 (VCV002586370.6), dbSNP rs2509414655, ClinGen allele CA501691605.
Genomic context (GRCh38, chr17:65,537,581, plus strand): 5'-AAAGCCTTTGCCCCCGAGGAGGGGGCAGGCGCCCGGCGAGGCGGCCGCGGGAGGCAGCTT[G>A]CCACCGGGCGGGAGCAGGGAGTGGTACTGCGAATGGTGGTGGTGGTGGTGGTCCGGGGAG-3'
Protein context (NP_004646.3, residues 475-495): SQYHSLLPPG[Gly485=]KLPPAAASPG